The following is an entry in ClinVar:

ClinVar aggregate classification (germline): Likely benign. Review status: criteria provided, multiple submitters, no conflicts (2 of 4 stars). 2 submissions from 2 submitters: Likely benign (2). Last evaluated 2024-10-04.

Conditions:
Familial cancer of breast. Also called: hereditary breast carcinoma; BREAST CANCER, FAMILIAL; Hereditary breast cancer. Identifiers: Orphanet 227535, MedGen C0346153, MONDO:0016419, OMIM 114480. Disease mechanism: loss of function.

gnomAD v4.1: 1 of 1,588,808 alleles (0.000063%); highest among the groups gnomAD compares: Non-Finnish European, 0.000086%; no homozygotes.

Submissions (2):

Myriad Genetics, Inc.
Classification: Likely benign for Familial cancer of breast. Last evaluated: 2024-10-04. Review status: criteria provided, single submitter. Criteria: Myriad Autosomal Dominant, Autosomal Recessive and X-Linked Classification Criteria (2023). Collection method: clinical testing. Allele origin: unknown.
Comment: This variant is considered likely benign. This variant is intronic and is not expected to impact mRNA splicing.

Labcorp Genetics (formerly Invitae), Labcorp
Classification: Likely benign for Familial cancer of breast. Last evaluated: 2023-02-25. Review status: criteria provided, single submitter. Criteria: Invitae Variant Classification Sherloc (09022015). Collection method: clinical testing. Allele origin: germline.

NM_007194.4(CHEK2):c.1009-8C>T

Gene: CHEK2 (checkpoint kinase 2; minus strand). Cytogenetic location: 22q12.1.
Variant type: single nucleotide variant.
Coding change: c.1009-8C>T on transcript NM_007194.4 (MANE Select); 8 bases into the intron before coding-DNA position 1009, C replaced by T.
Molecular consequence: intron variant.
Genome position (GRCh38, 1-based): chr22:28,696,995, G>A on the plus strand (C>T on the coding strand, the complement: CHEK2 is on the minus strand). VCF-style: chr22-28696995-G-A. GRCh37 (hg19) VCF-style: chr22-29092983-G-A.
Other names: c.346-8C>T (NM_001437942.1, NM_001257387.3); c.808-8C>T (NM_001349956.3); c.1009-1122C>T (NM_145862.3); c.1102-1122C>T (NM_001438295.1); c.1102-8C>T (NM_001438293.1); c.1138-1122C>T (NM_001438294.1); c.1138-8C>T (NM_001005735.3).
Identifiers: ClinVar variation 2840871 (VCV002840871.4), dbSNP rs2145818551, ClinGen allele CA2655953094.